The following is an entry in ClinVar:

ClinVar aggregate classification (germline): Uncertain significance (1 of 4 stars; one submission).

Conditions:
Hereditary cancer-predisposing syndrome. Also called: Neoplastic Syndromes, Hereditary; Hereditary Cancer Syndrome; Hereditary neoplastic syndrome; Tumor predisposition. Identifiers: Orphanet 140162, MedGen C0027672, MeSH D009386, MONDO:0015356.

Submission:

Ambry Genetics
Classification: Uncertain significance for Hereditary cancer-predisposing syndrome. Last evaluated: 2023-05-21. Review status: criteria provided, single submitter. Criteria: Ambry Variant Classification Scheme 2023. Collection method: clinical testing. Allele origin: germline.
Comment: The p.K371R variant (also known as c.1112A>G), located in coding exon 8 of the BMPR1A gene, results from an A to G substitution at nucleotide position 1112. The lysine at codon 371 is replaced by arginine, an amino acid with highly similar properties. This amino acid position is conserved. In addition, this alteration is predicted to be deleterious by in silico analysis. Since supporting evidence is limited at this time, the clinical significance of this alteration remains unclear.

NM_004329.3(BMPR1A):c.1112A>G (p.Lys371Arg)

Gene: BMPR1A (bone morphogenetic protein receptor type 1A; plus strand). Cytogenetic location: 10q23.2.
Variant type: single nucleotide variant.
Coding change: c.1112A>G on transcript NM_004329.3 (MANE Select); coding-DNA position 1112, A replaced by G.
Protein change: p.Lys371Arg; replaces lysine 371 with arginine.
Molecular consequence: missense variant. On other transcripts: non-coding transcript variant (3).
Genome position (GRCh38, 1-based): chr10:86,919,415, A>G. VCF-style: chr10-86919415-A-G. GRCh37 (hg19) VCF-style: chr10-88679172-A-G.
Other names: c.1187A>G, p.Lys396Arg (NM_001406559.1); c.1160A>G, p.Lys387Arg (NM_001406560.1); c.1112A>G, p.Lys371Arg (NM_001406561.1, NM_001406562.1, NM_001406563.1 and 19 more transcripts); c.1106A>G, p.Lys369Arg (NM_001406583.1); c.1028A>G, p.Lys343Arg (NM_001406584.1, NM_001406585.1, NM_001406586.1 and 2 more transcripts); c.770A>G, p.Lys257Arg (NM_001406589.1); short protein forms K387R, K396R, K257R, K343R, K369R, K371R.
Identifiers: ClinVar variation 2565026 (VCV002565026.2), dbSNP rs1490421596, ClinGen allele CA377460927.